The following is an entry in ClinVar:

ClinVar aggregate classification (germline): Uncertain significance (1 of 4 stars; one submission).

Conditions:
Desmin-related myofibrillar myopathy (MFM1). Also called: Myofibrillar myopathy 1; Desminopathy; Desmin related myopathy (former name); Desmin storage myopathy (former name); MYOFIBRILLAR MYOPATHY WITH ARRHYTHMOGENIC RIGHT VENTRICULAR CARDIOMYOPATHY; DESMIN-RELATED MYOPATHY WITH ARRHYTHMOGENIC RIGHT VENTRICULAR CARDIOMYOPATHY. Identifiers: Orphanet 363543, Orphanet 98909, MedGen C1832370, MONDO:0011076, OMIM 601419.

Allele frequency attached by ClinVar (database versions not stated): TOPMed below 0.00001.

Submission:

Centre for Mendelian Genomics, University Medical Centre Ljubljana
Classification: Uncertain significance for Desmin-related myofibrillar myopathy. Last evaluated: 2019-03-26. Review status: criteria provided, single submitter. Criteria: ACMG Guidelines, 2015. Collection method: clinical testing. Allele origin: unknown. Affected: yes.
Comment: This variant was classified as: Uncertain significance. The available evidence on this variant's pathogenicity is insufficient or conflicting. The following ACMG criteria were applied in classifying this variant: PM2,PP3.

NM_001927.4(DES):c.428T>C (p.Leu143Pro)

Gene: DES (desmin; plus strand). Cytogenetic location: 2q35.
Variant type: single nucleotide variant.
Coding change: c.428T>C on transcript NM_001927.4 (MANE Select); coding-DNA position 428, T replaced by C.
Protein change: p.Leu143Pro; replaces leucine 143 with proline.
Molecular consequence: missense variant.
Genome position (GRCh38, 1-based): chr2:219,418,890, T>C. VCF-style: chr2-219418890-T-C. GRCh37 (hg19) VCF-style: chr2-220283612-T-C.
Other names: c.428T>C, p.Leu143Pro (NM_001382708.1, NM_001382709.1, NM_001382710.1 and 3 more transcripts); short protein forms L143P.
Identifiers: ClinVar variation 931514 (VCV000931514.4), dbSNP rs1419950518, ClinGen allele CA350686089.